The following is an entry in ClinVar:

NM_000088.4(COL1A1):c.1459C>A (p.Arg487Ser)

Gene: COL1A1 (collagen type I alpha 1 chain; minus strand). Cytogenetic location: 17q21.33.
Variant type: single nucleotide variant.
Coding change: c.1459C>A on transcript NM_000088.4 (MANE Select); coding-DNA position 1459, C replaced by A.
Protein change: p.Arg487Ser; replaces arginine 487 with serine.
Molecular consequence: missense variant.
Genome position (GRCh38, 1-based): chr17:50,194,723, G>T on the plus strand (C>A on the coding strand, the complement: COL1A1 is on the minus strand). VCF-style: chr17-50194723-G-T. GRCh37 (hg19) VCF-style: chr17-48272084-G-T.
Other names: short protein forms R487S.
Identifiers: ClinVar variation 3027024 (VCV003027024.22), dbSNP rs1435226431, ClinGen allele CA400217601.
Genomic context (GRCh38, chr17:50,194,723, plus strand): 5'-CACAGGCACCAGCCAGGCAATGAGGGTGGAGCGGGAGGGGGCGGGCAGGGACACTTACAC[G>T]CTCGCCAGGGGGTCCGGGCAGGCCAGTGGGTCCGGGTTCACCTCGAGCTCCTCGCTTTCC-3'
Protein context (NP_000079.2, residues 477-497): PTGLPGPPGE[Arg487Ser]GGPGSRGFPG

ClinVar aggregate classification (germline): Uncertain significance (1 of 4 stars; one submission).

Submission:

CeGaT Center for Human Genetics Tuebingen
Classification: Uncertain significance. Last evaluated: 2024-01-01. Review status: criteria provided, single submitter. Criteria: CeGaT Center For Human Genetics Tuebingen Variant Classification Criteria Version 2. Collection method: clinical testing. Allele origin: germline. Affected: yes. Observed: 1 variant allele.
Comment: COL1A1: PM2